The following is an entry in ClinVar:

ClinVar aggregate classification (germline): Uncertain significance (1 of 4 stars; one submission).

Allele frequency attached by ClinVar (database versions not stated): TOPMed below 0.00001.

Submission:

Labcorp Genetics (formerly Invitae), Labcorp
Classification: Uncertain significance. Last evaluated: 2021-12-10. Review status: criteria provided, single submitter. Criteria: Invitae Variant Classification Sherloc (09022015). Collection method: clinical testing. Allele origin: germline.
Comment: This variant is not present in population databases (gnomAD no frequency). In summary, the available evidence is currently insufficient to determine the role of this variant in disease. Therefore, it has been classified as a Variant of Uncertain Significance. Algorithms developed to predict the effect of missense changes on protein structure and function are either unavailable or do not agree on the potential impact of this missense change (SIFT: "Deleterious"; PolyPhen-2: "Probably Damaging"; Align-GVGD: "Class C0"). This variant has not been reported in the literature in individuals affected with SCP2-related conditions. This sequence change replaces tyrosine, which is neutral and polar, with cysteine, which is neutral and slightly polar, at codon 35 of the SCP2 protein (p.Tyr35Cys).

NM_002979.5(SCP2):c.104A>G (p.Tyr35Cys)

Gene: SCP2 (sterol carrier protein 2; plus strand). Cytogenetic location: 1p32.3.
Variant type: single nucleotide variant.
Coding change: c.104A>G on transcript NM_002979.5 (MANE Select); coding-DNA position 104, A replaced by G.
Protein change: p.Tyr35Cys; replaces tyrosine 35 with cysteine.
Molecular consequence: missense variant. On other transcripts: intron variant (1).
Genome position (GRCh38, 1-based): chr1:52,941,830, A>G. VCF-style: chr1-52941830-A-G. GRCh37 (hg19) VCF-style: chr1-53407502-A-G.
Other names: c.104A>G, p.Tyr35Cys (NM_001007098.3, NM_001193599.2, NM_001193600.2 and 1 more transcripts); c.-116-6179A>G (NM_001193617.2); short protein forms Y35C.
Identifiers: ClinVar variation 1443210 (VCV001443210.6), dbSNP rs990012354, ClinGen allele CA22589865.
Genomic context (GRCh38, chr1:52,941,830, plus strand): 5'-TTTATTATCTCTTTCTATATCTCTAGTTTGTGAAGCCTGGAGCTGAGAATTCAAGAGACT[A>G]CCCTGACTTGGCAGAAGAAGCAGGTAACATAGAACATTTAGATCTTTGAACATTCATAGT-3'
Protein context (NP_002970.2, residues 25-45): VKPGAENSRD[Tyr35Cys]PDLAEEAGKK